The following is an entry in ClinVar:

NM_000110.4(DPYD):c.2673A>G (p.Ala891=)

Genes: DPYD (dihydropyrimidine dehydrogenase; minus strand), DPYD-AS1 (DPYD antisense RNA 1; plus strand). Cytogenetic location: 1p21.3.
Variant type: single nucleotide variant.
Coding change: c.2673A>G on transcript NM_000110.4 (MANE Select); coding-DNA position 2673, A replaced by G.
Protein change: p.Ala891=; no amino-acid change (alanine 891 retained).
Molecular consequence: synonymous variant.
Genome position (GRCh38, 1-based): chr1:97,098,582, T>C on the plus strand (A>G on the coding strand, the complement: DPYD is on the minus strand). VCF-style: chr1-97098582-T-C. GRCh37 (hg19) VCF-style: chr1-97564138-T-C.
Identifiers: ClinVar variation 3353132 (VCV003353132.1).

ClinVar aggregate classification (germline): Likely benign (0 of 4 stars; one submission).

Conditions:
DPYD-related disorder. Also called: DPYD-related condition.

gnomAD v4.1: 44 of 1,613,224 alleles (0.0027%); highest among the groups gnomAD compares: African/African-American, 0.055%; no homozygotes.

Submission:

PreventionGenetics, part of Exact Sciences
Classification: Likely benign for DPYD-related condition. Last evaluated: 2024-03-11. Review status: no assertion criteria provided. Collection method: clinical testing. Allele origin: germline.
Comment: This variant is classified as likely benign based on ACMG/AMP sequence variant interpretation guidelines (Richards et al. 2015 PMID: 25741868, with internal and published modifications).